The following is an entry in ClinVar:

NM_001270974.2(HYDIN):c.4760G>A (p.Arg1587His)

Gene: HYDIN (HYDIN axonemal central pair apparatus protein; minus strand). Cytogenetic location: 16q22.2.
Variant type: single nucleotide variant.
Coding change: c.4760G>A on transcript NM_001270974.2 (MANE Select); coding-DNA position 4760, G replaced by A.
Protein change: p.Arg1587His; replaces arginine 1587 with histidine.
Molecular consequence: missense variant.
Genome position (GRCh38, 1-based): chr16:70,975,148, C>T on the plus strand (G>A on the coding strand, the complement: HYDIN is on the minus strand). VCF-style: chr16-70975148-C-T. GRCh37 (hg19) VCF-style: chr16-71009051-C-T.
Other names: short protein forms R1587H.
Identifiers: ClinVar variation 2646770 (VCV002646770.24), dbSNP rs779915846, ClinGen allele CA8150647.
Genomic context (GRCh38, chr16:70,975,148, plus strand): 5'-CTCTGAAACAAGCACAGCACAGAAAGGCAGTCACTGGAAACCACTCACTTGGCCAGTTTG[C>T]GGCGACTCCGATGGCTGAAGCAGGGGTCATCCATAGGATCAGGGGTGGTTGTTTTCTGAT-3'
Protein context (NP_001257903.1, residues 1577-1597): DDPCFSHRSR[Arg1587His]KLAKIQLPEY

ClinVar aggregate classification (germline): Likely benign (1 of 4 stars; one submission).

Allele frequency attached by ClinVar (database versions not stated): ExAC 0.00053.

Submission:

CeGaT Center for Human Genetics Tuebingen
Classification: Likely benign. Last evaluated: 2025-09-01. Review status: criteria provided, single submitter. Criteria: CeGaT Center For Human Genetics Tuebingen Variant Classification Criteria Version 2. Collection method: clinical testing. Allele origin: germline. Affected: yes. Observed: 3 variant alleles.
Comment: HYDIN: BP4